The following is an entry in ClinVar:

ClinVar aggregate classification (germline): Likely benign. Review status: criteria provided, multiple submitters, no conflicts (2 of 4 stars). 2 submissions from 2 submitters: Likely benign (2). Last evaluated 2025-12-21.

Conditions:
DST-related disorder. Also called: DST-related disorders; DST-related condition.
Epidermolysis bullosa simplex 3, localized or generalized intermediate, with BP230 deficiency (EBS3). Also called: Epidermolysis bullosa simplex, autosomal recessive 2; Epidermolysis bullosa simplex due to BP230 deficiency. Identifiers: Orphanet 412181, MedGen C3809470, MONDO:0014180, OMIM 615425.
Hereditary sensory and autonomic neuropathy type 6. Also called: HSAN VI; Neuropathy, hereditary sensory and autonomic, type VI. Identifiers: Orphanet 314381, MedGen C3539003, MONDO:0013839, OMIM 614653.

Allele frequency attached by ClinVar (database versions not stated): gnomAD 0.00001; 1000 Genomes Project 30x 0.00016; 1000 Genomes Project 0.00020.
gnomAD v4.1: 12 of 1,609,942 alleles (0.00075%); highest among the groups gnomAD compares: Admixed American, 0.0084%; no homozygotes.

Submissions (2):

PreventionGenetics, part of Exact Sciences
Classification: Likely benign for DST-related condition. Last evaluated: 2025-12-21. Review status: criteria provided, single submitter. Criteria: ACMG Guidelines, 2015. Collection method: clinical testing. Allele origin: germline.
Comment: This variant is classified as likely benign based on ACMG/AMP sequence variant interpretation guidelines (Richards et al. 2015 PMID: 25741868, with internal and published modifications).

Labcorp Genetics (formerly Invitae), Labcorp
Classification: Likely benign for Epidermolysis bullosa simplex 3, localized or generalized intermediate, with BP230 deficiency; Hereditary sensory and autonomic neuropathy type 6. Last evaluated: 2023-11-25. Review status: criteria provided, single submitter. Criteria: Invitae Variant Classification Sherloc (09022015). Collection method: clinical testing. Allele origin: germline.

NM_001374736.1(DST):c.12903+10G>T

Gene: DST (dystonin; minus strand). Cytogenetic location: 6p12.1.
Variant type: single nucleotide variant.
Coding change: c.12903+10G>T on transcript NM_001374736.1 (MANE Select); 10 bases into the intron after coding-DNA position 12903, G replaced by T.
Molecular consequence: intron variant.
Genome position (GRCh38, 1-based): chr6:56,592,172, C>A on the plus strand (G>T on the coding strand, the complement: DST is on the minus strand). VCF-style: chr6-56592172-C-A. GRCh37 (hg19) VCF-style: chr6-56456970-C-A.
Other names: c.6546+10G>T (NM_001144769.5, NM_001144769.2); c.12903+10G>T (NM_001374722.1); c.12930+10G>T (NM_001374734.1); c.6132+10G>T (NM_001144770.2); c.6012+10G>T (NM_001374730.1, NM_001386100.1, NM_183380.4); c.12270+10G>T (NM_001374729.1); c.5034+10G>T (NM_015548.5).
Identifiers: ClinVar variation 2154330 (VCV002154330.5), dbSNP rs201012735, ClinGen allele CA3868361.